The following is an entry in ClinVar:

NM_016222.4(DDX41):c.*1G>A

Gene: DDX41 (DEAD-box helicase 41; minus strand). Cytogenetic location: 5q35.3.
Variant type: single nucleotide variant.
Coding change: c.*1G>A on transcript NM_016222.4 (MANE Select); 1 bases downstream of the stop codon, G replaced by A.
Molecular consequence: 3 prime UTR variant.
Genome position (GRCh38, 1-based): chr5:177,511,790, C>T on the plus strand (G>A on the coding strand, the complement: DDX41 is on the minus strand). VCF-style: chr5-177511790-C-T. GRCh37 (hg19) VCF-style: chr5-176938791-C-T.
Other names: c.*1G>A (NM_001321732.2, NM_001321830.2).
Identifiers: ClinVar variation 3054698 (VCV003054698.2), dbSNP rs372352153, ClinGen allele CA3584601.

ClinVar aggregate classification (germline): Likely benign (0 of 4 stars; one submission).

Conditions:
DDX41-related disorder. Also called: DDX41-related condition.

Allele frequency attached by ClinVar (database versions not stated): gnomAD exomes 0.00001; gnomAD 0.00005; ExAC 0.00008; 1000 Genomes Project 30x 0.00031; 1000 Genomes Project 0.00040.
gnomAD v4.1: 43 of 1,614,064 alleles (0.0027%); highest among the groups gnomAD compares: East Asian, 0.06%; no homozygotes.

Submission:

PreventionGenetics, part of Exact Sciences
Classification: Likely benign for DDX41-related condition. Last evaluated: 2023-01-30. Review status: no assertion criteria provided. Collection method: clinical testing. Allele origin: germline.
Comment: This variant is classified as likely benign based on ACMG/AMP sequence variant interpretation guidelines (Richards et al. 2015 PMID: 25741868, with internal and published modifications).